The following is an entry in ClinVar:

ClinVar aggregate classification (germline): Benign. Review status: criteria provided, single submitter (1 of 4 stars). 2 submissions from 2 submitters: Benign (1). 1 of the submissions does not count toward it. Last evaluated 2026-01-20.

Conditions:
NDUFA13-related disorder. Also called: NDUFA13-related condition.

Allele frequency attached by ClinVar (database versions not stated): gnomAD exomes 0.00047; gnomAD 0.00058; ExAC 0.00065; TOPMed 0.00078; ESP Exome Variant Server 0.00108.
gnomAD v4.1: 834 of 1,613,342 alleles (0.052%); highest among the groups gnomAD compares: Admixed American, 0.048%; 7 homozygotes.

Submissions (2):

Labcorp Genetics (formerly Invitae), Labcorp
Classification: Benign. Last evaluated: 2026-01-20. Review status: criteria provided, single submitter. Criteria: Invitae Variant Classification Sherloc (09022015). Collection method: clinical testing. Allele origin: germline.

PreventionGenetics, part of Exact Sciences
Classification: Benign for NDUFA13-related condition. Last evaluated: 2019-07-12. Review status: no assertion criteria provided. Collection method: clinical testing. Allele origin: germline. Not counted in ClinVar's aggregate classification.
Comment: This variant is classified as benign based on ACMG/AMP sequence variant interpretation guidelines (Richards et al. 2015 PMID: 25741868, with internal and published modifications).

NM_015965.7(NDUFA13):c.74T>G (p.Leu25Trp)

Genes: NDUFA13 (NADH:ubiquinone oxidoreductase subunit A13; plus strand), LOC130064074 (ATAC-STARR-seq lymphoblastoid active region 14360; plus strand). Cytogenetic location: 19p13.11.
Variant type: single nucleotide variant.
Coding change: c.74T>G on transcript NM_015965.7 (MANE Select); coding-DNA position 74, T replaced by G.
Protein change: p.Leu25Trp; replaces leucine 25 with tryptophan.
Molecular consequence: missense variant.
Genome position (GRCh38, 1-based): chr19:19,516,312, T>G. VCF-style: chr19-19516312-T-G. GRCh37 (hg19) VCF-style: chr19-19627121-T-G.
Other names: c.74T>G (NM_015965.6); short protein forms L25W.
Identifiers: ClinVar variation 2155286 (VCV002155286.6), dbSNP rs143629324, ClinGen allele CA9327630.